The following is an entry in ClinVar:

NM_000135.4(FANCA):c.4085T>A (p.Leu1362Ter)

Genes: FANCA (FA complementation group A; minus strand), ZNF276 (zinc finger protein 276; plus strand). Cytogenetic location: 16q24.3.
Variant type: single nucleotide variant.
Coding change: c.4085T>A on transcript NM_000135.4 (MANE Select); coding-DNA position 4085, T replaced by A.
Protein change: p.Leu1362Ter; replaces leucine 1362 with a stop codon.
Molecular consequence: nonsense. On other transcripts: 3 prime UTR variant (2), non-coding transcript variant (4).
Genome position (GRCh38, 1-based): chr16:89,739,215, A>T on the plus strand (T>A on the coding strand, the complement: FANCA is on the minus strand). VCF-style: chr16-89739215-A-T. GRCh37 (hg19) VCF-style: chr16-89805623-A-T.
Other names: c.4085T>A, p.Leu1362Ter (NM_001286167.3); c.*969A>T (NM_001113525.2, NM_152287.4); c.4085T>A (NM_000135.3); short protein forms L1362*.
Identifiers: ClinVar variation 851887 (VCV000851887.12), dbSNP rs745688750, ClinGen allele CA8250793.

ClinVar aggregate classification (germline): Conflicting classifications of pathogenicity. Review status: criteria provided, conflicting classifications (1 of 4 stars). 4 submissions from 4 submitters: Pathogenic (3); Uncertain significance (1). Last evaluated 2026-03-28.

Conditions:
Fanconi anemia complementation group A (FANCA). Also called: Fanconi anemia, group A; FANCA-Related Fanconi Anemia. Identifiers: Orphanet 84, MedGen C3469521, MONDO:0009215, OMIM 227650.
Fanconi anemia (FA). Also called: Fanconi's anemia. Identifiers: Orphanet 84, MedGen C0015625, MeSH D005199, MONDO:0019391.

Allele frequency attached by ClinVar (database versions not stated): gnomAD exomes 0.00001 and below 0.00001.
gnomAD v4.1: 6 of 1,614,152 alleles (0.00037%); highest among the groups gnomAD compares: South Asian, 0.0066%; no homozygotes.

Submissions (4):

Myriad Genetics, Inc.
Classification: Pathogenic for Fanconi anemia complementation group A. Last evaluated: 2026-03-28. Review status: criteria provided, single submitter. Criteria: Myriad Autosomal Dominant, Autosomal Recessive and X-Linked Classification Criteria (2023). Collection method: clinical testing. Allele origin: unknown.
Comment: NM_000135.2(FANCA):c.4085T>A(L1362*) is expected to be pathogenic in the context of Fanconi anemia complementation group A. This variant is predicted to lead to an abnormal or absent protein product due to the creation of a premature termination codon in FANCA, a gene where loss-of-function variants are known to be pathogenic. Please note: this variant was assessed in the context of healthy population screening.

Natera, Inc.
Classification: Pathogenic for Fanconi anemia. Last evaluated: 2025-11-24. Review status: criteria provided, single submitter. Criteria: Natera Variant Classification Schema (03/2026). Collection method: clinical testing. Allele origin: germline.
Comment: The c.4085T>A variant in FANCA is a nonsense variant predicted to introduce a stop codon at amino acid 1362. This variant is expected to result in nonsense mediated decay, truncation, or a dysfunctional protein product. This variant is rare in the general population with a frequency below the threshold expected for the associated phenotype(s). This variant has been observed in one or more individuals affected with the associated recessive disease, as either homozygous or compound heterozygous with a second variant (PMID: 34585473). Given the available evidence, this variant is classified as Pathogenic.

Labcorp Genetics (formerly Invitae), Labcorp
Classification: Pathogenic for Fanconi anemia. Last evaluated: 2022-11-17. Review status: criteria provided, single submitter. Criteria: Invitae Variant Classification Sherloc (09022015). Collection method: clinical testing. Allele origin: germline.
Comment: This variant is present in population databases (rs745688750, gnomAD 0.006%). For these reasons, this variant has been classified as Pathogenic. Algorithms developed to predict the effect of sequence changes on RNA splicing suggest that this variant may disrupt the consensus splice site. ClinVar contains an entry for this variant (Variation ID: 851887). This variant has not been reported in the literature in individuals affected with FANCA-related conditions. This sequence change creates a premature translational stop signal (p.Leu1362*) in the FANCA gene. It is expected to result in an absent or disrupted protein product. Loss-of-function variants in FANCA are known to be pathogenic (PMID: 19367192).

Dept. of Cytogenetics, ICMR- National Institute of Immunohaematology
Classification: Uncertain significance for Fanconi anemia. Review status: criteria provided, single submitter. Criteria: ACMG Guidelines, 2015. Collection method: clinical testing. Allele origin: germline. Affected: yes. Observed: 1 variant allele.

Literature cited by the submitters: PubMed 34585473 (cited by Natera, Inc.); PubMed 19367192 (cited by Labcorp Genetics (formerly Invitae), Labcorp).